The following is an entry in ClinVar:

ClinVar aggregate classification (germline): Benign/Likely benign. Review status: criteria provided, multiple submitters, no conflicts (2 of 4 stars). 2 submissions from 2 submitters: Benign (1); Likely benign (1). Last evaluated 2018-07-08.

Conditions:
Bruck syndrome 2 (BRKS2). Also called: OSTEOGENESIS IMPERFECTA WITH CONGENITAL JOINT CONTRACTURES. Identifiers: Orphanet 2771, MedGen C1836602, MONDO:0012217, OMIM 609220.

Allele frequency attached by ClinVar (database versions not stated): TOPMed 0.01142; gnomAD exomes 0.00108; 1000 Genomes Project 0.01018; gnomAD 0.00971 and 0.01058; 1000 Genomes Project 30x 0.01093.

Submissions (2):

GeneDx
Classification: Likely benign. Last evaluated: 2018-07-08. Review status: criteria provided, single submitter. Criteria: GeneDx Variant Classification Process June 2021. Collection method: clinical testing. Allele origin: germline. Affected: yes.

Illumina Laboratory Services, Illumina
Classification: Benign for Bruck syndrome 2. Last evaluated: 2018-01-12. Review status: criteria provided, single submitter. Criteria: ICSL Variant Classification Criteria 13 December 2019. Collection method: clinical testing. Allele origin: germline.
Comment: This variant was observed in the ICSL laboratory as part of a predisposition screen in an ostensibly healthy population. It had not been previously curated by ICSL or reported in the Human Gene Mutation Database (HGMD: prior to June 1st, 2018), and was therefore a candidate for classification through an automated scoring system. Utilizing variant allele frequency, disease prevalence and penetrance estimates, and inheritance mode, an automated score was calculated to assess if this variant is too frequent to cause the disease. Based on the score and internal cut-off values, a variant classified as benign is not then subjected to further curation. The score for this variant resulted in a classification of benign for this disease.

NM_000935.2(PLOD2):c.-212C>T

Gene: PLOD2 (procollagen-lysine,2-oxoglutarate 5-dioxygenase 2; minus strand). Cytogenetic location: 3q24.
Variant type: single nucleotide variant.
Coding change: c.-212C>T on transcript NM_000935.2; 212 bases upstream of the start codon, C replaced by T.
Genome position (GRCh38, 1-based): chr3:146,161,201, G>A on the plus strand (C>T on the coding strand, the complement: PLOD2 is on the minus strand). VCF-style: chr3-146161201-G-A. GRCh37 (hg19) VCF-style: chr3-145878988-G-A.
Identifiers: ClinVar variation 343657 (VCV000343657.10), dbSNP rs564744346, ClinGen allele CA10617583.